The following is an entry in ClinVar:

NM_005732.4(RAD50):c.2318C>G (p.Thr773Arg)

Gene: RAD50 (RAD50 double strand break repair protein; plus strand). Cytogenetic location: 5q31.1.
Variant type: single nucleotide variant.
Coding change: c.2318C>G on transcript NM_005732.4 (MANE Select); coding-DNA position 2318, C replaced by G.
Protein change: p.Thr773Arg; replaces threonine 773 with arginine.
Molecular consequence: missense variant.
Genome position (GRCh38, 1-based): chr5:132,603,410, C>G. VCF-style: chr5-132603410-C-G. GRCh37 (hg19) VCF-style: chr5-131939102-C-G.
Other names: short protein forms T773R.
Identifiers: ClinVar variation 1789515 (VCV001789515.2), dbSNP rs2479665038, ClinGen allele CA360954618.

ClinVar aggregate classification (germline): Uncertain significance (1 of 4 stars; one submission).

Conditions:
Hereditary cancer-predisposing syndrome. Also called: Hereditary Cancer Syndrome; Hereditary neoplastic syndrome; Tumor predisposition; Neoplastic Syndromes, Hereditary. Identifiers: Orphanet 140162, MedGen C0027672, MeSH D009386, MONDO:0015356.

Submission:

Ambry Genetics
Classification: Uncertain significance for Hereditary cancer-predisposing syndrome. Last evaluated: 2015-10-23. Review status: criteria provided, single submitter. Criteria: Ambry Variant Classification Scheme 2023. Collection method: clinical testing. Allele origin: germline.
Comment: The p.T773R variant (also known as c.2318C>G), located in coding exon 14 of the RAD50 gene, results from a C to G substitution at nucleotide position 2318. The threonine at codon 773 is replaced by arginine, an amino acid with similar properties. This variant was not reported in population based cohorts in the following databases: Database of Single Nucleotide Polymorphisms (dbSNP), NHLBI Exome Sequencing Project (ESP), and 1000 Genomes Project. In the ESP, this variant was not observed in 6503 samples (13006 alleles) with coverage at this position. To date, this alteration has been detected with an allele frequency of approximately 0.002% (greater than 65000 alleles tested) in our clinical cohort. This amino acid position is highly conserved in available vertebrate species. In addition, the in silico prediction for this alteration is inconclusive. Since supporting evidence is limited at this time, the clinical significance of p.T773R remains unclear.